The following is an entry in ClinVar:

ClinVar aggregate classification (germline): Benign/Likely benign. Review status: criteria provided, multiple submitters, no conflicts (2 of 4 stars). 5 submissions from 5 submitters: Benign (1); Likely benign (4). Last evaluated 2026-02-01.

Conditions:
Cardiovascular phenotype. Identifiers: MedGen CN230736.
Danon disease. Also called: PSEUDOGLYCOGENOSIS II; GSD IIb; LYSOSOMAL GLYCOGEN STORAGE DISEASE WITHOUT ACID MALTASE DEFICIENCY; Glycogen Storage Disease Type IIb; ANTOPOL DISEASE. Identifiers: Orphanet 34587, MedGen C0878677, MONDO:0010281, OMIM 300257.

Allele frequency attached by ClinVar (database versions not stated): gnomAD exomes 0.00001 and 0.00003; ExAC 0.00002; gnomAD 0.00002 and 0.00003; TOPMed 0.00002.
gnomAD v4.1: 18 of 1,206,883 alleles (0.0015%); highest among the groups gnomAD compares: Admixed American, 0.0088%; no homozygotes.

Submissions (5):

CeGaT Center for Human Genetics Tuebingen
Classification: Likely benign. Last evaluated: 2026-02-01. Review status: criteria provided, single submitter. Criteria: CeGaT Center For Human Genetics Tuebingen Variant Classification Criteria Version 2. Collection method: clinical testing. Allele origin: germline. Affected: yes. Observed: 1 variant allele.
Comment: LAMP2: BP4, BP7, BS2

Labcorp Genetics (formerly Invitae), Labcorp
Classification: Likely benign for Danon disease. Last evaluated: 2025-12-09. Review status: criteria provided, single submitter. Criteria: Invitae Variant Classification Sherloc (09022015). Collection method: clinical testing. Allele origin: germline.

Ambry Genetics
Classification: Likely benign for Cardiovascular phenotype. Last evaluated: 2024-05-22. Review status: criteria provided, single submitter. Criteria: Ambry Variant Classification Scheme 2023. Collection method: clinical testing. Allele origin: germline.

Laboratory for Molecular Medicine, Mass General Brigham Personalized Medicine
Classification: Likely benign. Last evaluated: 2015-05-07. Review status: criteria provided, single submitter. Criteria: LMM Criteria. Collection method: clinical testing. Allele origin: germline. Observed: 1 variant allele.
Comment: p.Phe92Phe in exon 3 of LAMP2: This variant is not expected to have clinical sig nificance because it does not alter an amino acid residue and is not located wit hin the splice consensus sequence. It has been identified in 1/47990 European ch romosomes and 1/9321 Latino chromosomes by the Exome Aggregation Consortium (ExA C).

GeneDx
Classification: Benign. Last evaluated: 2015-03-03. Review status: criteria provided, single submitter. Criteria: GeneDx Variant Classification Process June 2021. Collection method: clinical testing. Allele origin: germline. Affected: yes.

NM_002294.3(LAMP2):c.276C>T (p.Phe92=)

Gene: LAMP2 (lysosome associated membrane protein 2; minus strand). Cytogenetic location: Xq24.
Variant type: single nucleotide variant.
Coding change: c.276C>T on transcript NM_002294.3 (MANE Select); coding-DNA position 276, C replaced by T.
Protein change: p.Phe92=; no amino-acid change (phenylalanine 92 retained).
Molecular consequence: synonymous variant.
Genome position (GRCh38, 1-based): chrX:120,455,478, G>A on the plus strand (C>T on the coding strand, the complement: LAMP2 is on the minus strand). VCF-style: chrX-120455478-G-A. GRCh37 (hg19) VCF-style: chrX-119589333-G-A.
Other names: c.276C>T, p.Phe92= (NM_001122606.1, NM_013995.2).
Identifiers: ClinVar variation 227483 (VCV000227483.18), dbSNP rs754577706, ClinGen allele CA10505326.